The following is an entry in ClinVar:

ClinVar aggregate classification (germline): Uncertain significance. Review status: criteria provided, multiple submitters, no conflicts (2 of 4 stars). 2 submissions from 2 submitters: Uncertain significance (2). Last evaluated 2024-09-25.

Conditions:
Usher syndrome type 1 (USH1). Also called: RETINITIS PIGMENTOSA AND CONGENITAL DEAFNESS. Identifiers: Orphanet 231169, Orphanet 886, MedGen C1568247, MONDO:0010168, OMIM 276900.

Submissions (2):

3billion
Classification: Uncertain significance for Usher syndrome type 1. Last evaluated: 2024-09-25. Review status: criteria provided, single submitter. Criteria: ACMG Guidelines, 2015. Collection method: clinical testing. Allele origin: germline. Affected: yes.
Comment: The variant is not observed in the gnomAD v4.0.0 dataset. Predicted Consequence/Location: Missense variant. In silico tool predictions suggest damaging effect of the variant on gene or gene product [REVEL: 0.95 (>=0.6, sensitivity 0.68 and specificity 0.92); 3Cnet: 0.98 (>=0.6, sensitivity 0.72 and precision 0.9)]. The same nucleotide change resulting in the same amino acid change has been previously reported to be associated with MYO7A related disorder (PMID: 16470552). However, the evidence of pathogenicity is insufficient at this time. Therefore, this variant is classified as VUS according to the recommendation of ACMG/AMP guideline.

Blueprint Genetics
Classification: Uncertain significance. Last evaluated: 2022-11-15. Review status: criteria provided, single submitter. Criteria: ACMG Guidelines, 2015. Collection method: clinical testing. Allele origin: germline.

Literature cited by the submitters: PubMed 16470552 (cited by 3billion).

NM_000260.4(MYO7A):c.3731C>G (p.Pro1244Arg)

Gene: MYO7A (myosin VIIA; plus strand). Cytogenetic location: 11q13.5.
Variant type: single nucleotide variant.
Coding change: c.3731C>G on transcript NM_000260.4 (MANE Select); coding-DNA position 3731, C replaced by G.
Protein change: p.Pro1244Arg; replaces proline 1244 with arginine.
Molecular consequence: missense variant.
Genome position (GRCh38, 1-based): chr11:77,190,120, C>G. VCF-style: chr11-77190120-C-G. GRCh37 (hg19) VCF-style: chr11-76901165-C-G.
Other names: c.3731C>G, p.Pro1244Arg (NM_001127180.2); c.3698C>G, p.Pro1233Arg (NM_001369365.1); short protein forms P1233R, P1244R.
Identifiers: ClinVar variation 4293775 (VCV004293775.2).